The following is an entry in ClinVar:

ClinVar aggregate classification (germline): Uncertain significance (1 of 4 stars; one submission).

Conditions:
Familial temporal lobe epilepsy 7. Identifiers: Orphanet 101046, MedGen C4225327, MONDO:0014639, OMIM 616436.
Norman-Roberts syndrome (LIS2). Also called: Lissencephaly 2 (Norman-Roberts type). Identifiers: Orphanet 89844, MedGen C0796089, MONDO:0009760, OMIM 257320.

Submission:

Labcorp Genetics (formerly Invitae), Labcorp
Classification: Uncertain significance for Familial temporal lobe epilepsy 7; Norman-Roberts syndrome. Last evaluated: 2023-11-19. Review status: criteria provided, single submitter. Criteria: Invitae Variant Classification Sherloc (09022015). Collection method: clinical testing. Allele origin: germline.
Comment: This sequence change replaces aspartic acid, which is acidic and polar, with glutamic acid, which is acidic and polar, at codon 897 of the RELN protein (p.Asp897Glu). This variant is not present in population databases (gnomAD no frequency). This variant has not been reported in the literature in individuals affected with RELN-related conditions. ClinVar contains an entry for this variant (Variation ID: 1984969). Advanced modeling of protein sequence and biophysical properties (such as structural, functional, and spatial information, amino acid conservation, physicochemical variation, residue mobility, and thermodynamic stability) performed at Invitae indicates that this missense variant is not expected to disrupt RELN protein function with a negative predictive value of 80%. In summary, the available evidence is currently insufficient to determine the role of this variant in disease. Therefore, it has been classified as a Variant of Uncertain Significance.

NM_005045.4(RELN):c.2691C>G (p.Asp897Glu)

Gene: RELN (reelin; minus strand). Cytogenetic location: 7q22.1.
Variant type: single nucleotide variant.
Coding change: c.2691C>G on transcript NM_005045.4 (MANE Select); coding-DNA position 2691, C replaced by G.
Protein change: p.Asp897Glu; replaces aspartic acid 897 with glutamic acid.
Molecular consequence: missense variant.
Genome position (GRCh38, 1-based): chr7:103,629,951, G>C on the plus strand (C>G on the coding strand, the complement: RELN is on the minus strand). VCF-style: chr7-103629951-G-C. GRCh37 (hg19) VCF-style: chr7-103270398-G-C.
Other names: c.2691C>G, p.Asp897Glu (NM_173054.3); short protein forms D897E.
Identifiers: ClinVar variation 1984969 (VCV001984969.4), dbSNP rs2484788145, ClinGen allele CA368757730.